The following is an entry in ClinVar:

ClinVar aggregate classification (germline): Uncertain significance. Review status: criteria provided, multiple submitters, no conflicts (2 of 4 stars). 4 submissions from 4 submitters: Uncertain significance (3). 1 of the submissions does not count toward it. Last evaluated 2024-09-03.

Conditions:
Inborn genetic diseases. Identifiers: MedGen C0950123, MeSH D030342.
Bardet-Biedl syndrome 12 (BBS12). Identifiers: Orphanet 110, MedGen C1859570, MONDO:0014440, OMIM 615989.
Bardet-Biedl syndrome (BBS). Identifiers: Orphanet 110, MedGen C0752166, MONDO:0015229.
BBS12-related disorder. Also called: BBS12-related condition.

Allele frequency attached by ClinVar (database versions not stated): gnomAD exomes below 0.00001; ExAC 0.00001; TOPMed 0.00003; gnomAD 0.00004 and 0.00005.

Submissions (4):

Ambry Genetics
Classification: Uncertain significance for Inborn genetic diseases. Last evaluated: 2024-09-03. Review status: criteria provided, single submitter. Criteria: Ambry Variant Classification Scheme 2023. Collection method: clinical testing. Allele origin: germline.

Fulgent Genetics
Classification: Uncertain significance for Bardet-Biedl syndrome 12. Last evaluated: 2024-03-08. Review status: criteria provided, single submitter. Criteria: ACMG Guidelines, 2015. Collection method: clinical testing. Allele origin: germline.

Labcorp Genetics (formerly Invitae), Labcorp
Classification: Uncertain significance for Bardet-Biedl syndrome. Last evaluated: 2021-08-31. Review status: criteria provided, single submitter. Criteria: Invitae Variant Classification Sherloc (09022015). Collection method: clinical testing. Allele origin: germline.
Comment: This sequence change replaces glutamine with glutamic acid at codon 620 of the BBS12 protein (p.Gln620Glu). The glutamine residue is highly conserved and there is a small physicochemical difference between glutamine and glutamic acid. This variant is present in population databases (rs776100718, ExAC 0.006%). This variant has not been reported in the literature in individuals affected with BBS12-related conditions. Algorithms developed to predict the effect of missense changes on protein structure and function (SIFT, PolyPhen-2, Align-GVGD) all suggest that this variant is likely to be tolerated. In summary, the available evidence is currently insufficient to determine the role of this variant in disease. Therefore, it has been classified as a Variant of Uncertain Significance.

PreventionGenetics, part of Exact Sciences
Classification: Uncertain significance for BBS12-related condition. Last evaluated: 2024-02-01. Review status: no assertion criteria provided. Collection method: clinical testing. Allele origin: germline. Not counted in ClinVar's aggregate classification.
Comment: The BBS12 c.1858C>G variant is predicted to result in the amino acid substitution p.Gln620Glu. To our knowledge, this variant has not been reported in the literature. This variant is reported in 0.0033% of alleles in individuals of South Asian descent in gnomAD. At this time, the clinical significance of this variant is uncertain due to the absence of conclusive functional and genetic evidence.

NM_152618.3(BBS12):c.1858C>G (p.Gln620Glu)

Gene: BBS12 (Bardet-Biedl syndrome 12; plus strand). Cytogenetic location: 4q27.
Variant type: single nucleotide variant.
Coding change: c.1858C>G on transcript NM_152618.3 (MANE Select); coding-DNA position 1858, C replaced by G.
Protein change: p.Gln620Glu; replaces glutamine 620 with glutamic acid.
Molecular consequence: missense variant.
Genome position (GRCh38, 1-based): chr4:122,743,750, C>G. VCF-style: chr4-122743750-C-G. GRCh37 (hg19) VCF-style: chr4-123664905-C-G.
Other names: c.1858C>G, p.Gln620Glu (NM_001178007.2); c.1858C>G (NM_152618.2); short protein forms Q620E.
Identifiers: ClinVar variation 1419347 (VCV001419347.9), dbSNP rs776100718, ClinGen allele CA3069523.